The following is an entry in ClinVar:

ClinVar aggregate classification (germline): Uncertain significance (1 of 4 stars; one submission).

Allele frequency attached by ClinVar (database versions not stated): gnomAD exomes below 0.00001; TOPMed below 0.00001; gnomAD 0.00001.

Submission:

Labcorp Genetics (formerly Invitae), Labcorp
Classification: Uncertain significance. Last evaluated: 2024-12-16. Review status: criteria provided, single submitter. Criteria: Invitae Variant Classification Sherloc (09022015). Collection method: clinical testing. Allele origin: germline.
Comment: This sequence change replaces methionine, which is neutral and non-polar, with isoleucine, which is neutral and non-polar, at codon 1182 of the FAT2 protein (p.Met1182Ile). This variant is not present in population databases (gnomAD no frequency). This variant has not been reported in the literature in individuals affected with FAT2-related conditions. ClinVar contains an entry for this variant (Variation ID: 2743861). An algorithm developed to predict the effect of missense changes on protein structure and function (PolyPhen-2) suggests that this variant is likely to be tolerated. In summary, the available evidence is currently insufficient to determine the role of this variant in disease. Therefore, it has been classified as a Variant of Uncertain Significance.

NM_001447.3(FAT2):c.3546G>A (p.Met1182Ile)

Gene: FAT2 (FAT atypical cadherin 2; minus strand). Cytogenetic location: 5q33.1.
Variant type: single nucleotide variant.
Coding change: c.3546G>A on transcript NM_001447.3 (MANE Select); coding-DNA position 3546, G replaced by A.
Protein change: p.Met1182Ile; replaces methionine 1182 with isoleucine.
Molecular consequence: missense variant.
Genome position (GRCh38, 1-based): chr5:151,563,353, C>T on the plus strand (G>A on the coding strand, the complement: FAT2 is on the minus strand). VCF-style: chr5-151563353-C-T. GRCh37 (hg19) VCF-style: chr5-150942914-C-T.
Other names: short protein forms M1182I.
Identifiers: ClinVar variation 2743861 (VCV002743861.3), dbSNP rs1399382990, ClinGen allele CA361848998.
Genomic context (GRCh38, chr5:151,563,353, plus strand): 5'-ATCCCTGTTCACCCAGCTTTTTGGATCCTTACCTGTAACAGGGTGAATCATAAAGAATCC[C>T]ATGTAGTTCCCACTGGTGATGTTGAAGGTCAGCTTCCCTTTGGAGCTGGAGTCTGGGTCC-3'
Protein context (NP_001438.1, residues 1172-1192): LTFNITSGNY[Met1182Ile]GFFMIHPVTG